The following is an entry in ClinVar:

NM_002485.5(NBN):c.2134C>A (p.His712Asn)

Gene: NBN (nibrin; minus strand). Cytogenetic location: 8q21.3.
Variant type: single nucleotide variant.
Coding change: c.2134C>A on transcript NM_002485.5 (MANE Select); coding-DNA position 2134, C replaced by A.
Protein change: p.His712Asn; replaces histidine 712 with asparagine.
Molecular consequence: missense variant.
Genome position (GRCh38, 1-based): chr8:89,943,303, G>T on the plus strand (C>A on the coding strand, the complement: NBN is on the minus strand). VCF-style: chr8-89943303-G-T. GRCh37 (hg19) VCF-style: chr8-90955531-G-T.
Other names: c.1888C>A, p.His630Asn (NM_001024688.3); short protein forms H712N, H630N.
Identifiers: ClinVar variation 186356 (VCV000186356.23), dbSNP rs781520763, ClinGen allele CA194574.

ClinVar aggregate classification (germline): Uncertain significance. Review status: criteria provided, multiple submitters, no conflicts (2 of 4 stars). 6 submissions from 6 submitters: Uncertain significance (6). Last evaluated 2025-11-13.

Conditions:
Hereditary cancer-predisposing syndrome. Also called: Neoplastic Syndromes, Hereditary; Tumor predisposition; Hereditary neoplastic syndrome; Hereditary Cancer Syndrome. Identifiers: Orphanet 140162, MedGen C0027672, MeSH D009386, MONDO:0015356.
Microcephaly, normal intelligence and immunodeficiency (NBS). Also called: Immunodeficiency, microcephaly with normal intelligence; IMMUNODEFICIENCY, MICROCEPHALY, AND CHROMOSOMAL INSTABILITY; Ataxia telangiectasia variant V1; Nijmegen breakage syndrome; Microcephaly with normal intelligence immunodeficiency and lymphoreticular malignancies; Nonsyndromal microcephaly autosomal recessive with normal intelligence. Identifiers: Orphanet 647, MedGen C0398791, MONDO:0009623, OMIM 251260.

Allele frequency attached by ClinVar (database versions not stated): gnomAD exomes below 0.00001 and 0.00001; ExAC 0.00001; TOPMed 0.00002.
gnomAD v4.1: 3 of 1,613,468 alleles (0.00019%); highest among the groups gnomAD compares: African/African-American, 0.004%; no homozygotes.

Submissions (6):

Myriad Genetics, Inc.
Classification: Uncertain significance for Microcephaly, normal intelligence and immunodeficiency. Last evaluated: 2025-11-13. Review status: criteria provided, single submitter. Criteria: Myriad Autosomal Dominant, Autosomal Recessive and X-Linked Classification Criteria (2023). Collection method: clinical testing. Allele origin: unknown.
Comment: NM_002485.4(NBN):c.2134C>A(H712N) is a missense variant classified as a variant of uncertain significance in the context of Nijmegen breakage syndrome. H712N has not been observed in cases with relevant disease. Relevant functional assessments of this variant are not available in the literature. H712N has been observed in referenced population frequency databases. In summary, there is insufficient evidence to classify NM_002485.4(NBN):c.2134C>A(H712N) as pathogenic or benign. Please note: this variant was assessed in the context of healthy population screening.

Labcorp Genetics (formerly Invitae), Labcorp
Classification: Uncertain significance for Microcephaly, normal intelligence and immunodeficiency. Last evaluated: 2025-08-11. Review status: criteria provided, single submitter. Criteria: Invitae Variant Classification Sherloc (09022015). Collection method: clinical testing. Allele origin: germline.
Comment: This sequence change replaces histidine, which is basic and polar, with asparagine, which is neutral and polar, at codon 712 of the NBN protein (p.His712Asn). This variant is present in population databases (rs781520763, gnomAD 0.01%). This variant has not been reported in the literature in individuals affected with NBN-related conditions. ClinVar contains an entry for this variant (Variation ID: 186356). An algorithm developed to predict the effect of missense changes on protein structure and function outputs the following: PolyPhen-2: "Benign". The asparagine amino acid residue is found in multiple mammalian species, which suggests that this missense change does not adversely affect protein function. In summary, the available evidence is currently insufficient to determine the role of this variant in disease. Therefore, it has been classified as a Variant of Uncertain Significance.

Ambry Genetics
Classification: Uncertain significance for Hereditary cancer-predisposing syndrome. Last evaluated: 2025-06-13. Review status: criteria provided, single submitter. Criteria: Ambry Variant Classification Scheme 2023. Collection method: clinical testing. Allele origin: germline.
Comment: The p.H712N variant (also known as c.2134C>A), located in coding exon 14 of the NBN gene, results from a C to A substitution at nucleotide position 2134. The histidine at codon 712 is replaced by asparagine, an amino acid with similar properties. This amino acid position is well conserved in available vertebrate species. In addition, this alteration is predicted to be tolerated by in silico analysis. Since supporting evidence is limited at this time, the clinical significance of this alteration remains unclear.

GeneDx
Classification: Uncertain significance. Last evaluated: 2023-05-05. Review status: criteria provided, single submitter. Criteria: GeneDx Variant Classification Process June 2021. Collection method: clinical testing. Allele origin: germline. Affected: yes.
Comment: Not observed at significant frequency in large population cohorts (gnomAD); In silico analysis supports that this missense variant does not alter protein structure/function; Has not been previously published as pathogenic or benign to our knowledge

Genome-Nilou Lab
Classification: Uncertain significance for Microcephaly, normal intelligence and immunodeficiency. Last evaluated: 2021-11-07. Review status: criteria provided, single submitter. Criteria: ACMG Guidelines, 2015. Collection method: clinical testing. Allele origin: germline. Affected: no.

Sema4
Classification: Uncertain significance for Hereditary cancer-predisposing syndrome. Last evaluated: 2021-05-21. Review status: criteria provided, single submitter. Criteria: Sema4 Curation Guidelines. Collection method: curation. Allele origin: germline.
Comment: The NBN c.2134C>A (p.H712N) variant has not been reported in the literature as a germline variant to our knowledge. It was observed in 2/16254 chromosomes of the African subpopulation in the large and broad cohorts of the Genome Aggregation Database (PMID: 32461654) and has been reported in ClinVar (Variation ID: 186356). In silico tools suggest the impact of the variant on protein function is benign, though these predictions have not been confirmed by functional studies. The evidence is insufficient to meet ACMG/AMP criteria for classifying the variant as benign or pathogenic. Thus, the clinical significance of this variant is currently uncertain.